The following is an entry in ClinVar:

ClinVar aggregate classification (germline): Uncertain significance (1 of 4 stars; one submission).

Conditions:
Combined immunodeficiency due to LRBA deficiency. Also called: Common variable immunodeficiency 8, with autoimmunity. Identifiers: Orphanet 445018, MedGen C3553512, MONDO:0013863, OMIM 614700.

Allele frequency attached by ClinVar (database versions not stated): gnomAD exomes below 0.00001 and 0.00001; ExAC 0.00001.

Submission:

Labcorp Genetics (formerly Invitae), Labcorp
Classification: Uncertain significance for Combined immunodeficiency due to LRBA deficiency. Last evaluated: 2021-03-16. Review status: criteria provided, single submitter. Criteria: Invitae Variant Classification Sherloc (09022015). Collection method: clinical testing. Allele origin: germline.
Comment: In summary, the available evidence is currently insufficient to determine the role of this variant in disease. Therefore, it has been classified as a Variant of Uncertain Significance. Algorithms developed to predict the effect of missense changes on protein structure and function (SIFT, PolyPhen-2, Align-GVGD) all suggest that this variant is likely to be tolerated, but these predictions have not been confirmed by published functional studies and their clinical significance is uncertain. This variant has not been reported in the literature in individuals with LRBA-related conditions. This variant is present in population databases (rs777980496, ExAC 0.009%). This sequence change replaces methionine with isoleucine at codon 155 of the LRBA protein (p.Met155Ile). The methionine residue is weakly conserved and there is a small physicochemical difference between methionine and isoleucine.

NM_001364905.1(LRBA):c.465G>T (p.Met155Ile)

Gene: LRBA (LPS responsive beige-like anchor protein; minus strand). Cytogenetic location: 4q31.3.
Variant type: single nucleotide variant.
Coding change: c.465G>T on transcript NM_001364905.1 (MANE Select); coding-DNA position 465, G replaced by T.
Protein change: p.Met155Ile; replaces methionine 155 with isoleucine.
Molecular consequence: missense variant.
Genome position (GRCh38, 1-based): chr4:150,928,600, C>A on the plus strand (G>T on the coding strand, the complement: LRBA is on the minus strand). VCF-style: chr4-150928600-C-A. GRCh37 (hg19) VCF-style: chr4-151849752-C-A.
Other names: c.465G>T, p.Met155Ile (NM_001199282.3, NM_001367550.1, NM_006726.5); short protein forms M155I.
Identifiers: ClinVar variation 1421792 (VCV001421792.8), dbSNP rs777980496, ClinGen allele CA3103860.